The following is an entry in ClinVar:

NM_001470.4(GABBR1):c.766G>A (p.Ala256Thr)

Gene: GABBR1 (gamma-aminobutyric acid type B receptor subunit 1; minus strand). Cytogenetic location: 6p22.1.
Variant type: single nucleotide variant.
Coding change: c.766G>A on transcript NM_001470.4 (MANE Select); coding-DNA position 766, G replaced by A.
Protein change: p.Ala256Thr; replaces alanine 256 with threonine.
Molecular consequence: missense variant.
Genome position (GRCh38, 1-based): chr6:29,623,916, C>T on the plus strand (G>A on the coding strand, the complement: GABBR1 is on the minus strand). VCF-style: chr6-29623916-C-T. GRCh37 (hg19) VCF-style: chr6-29591693-C-T.
Other names: c.235G>A, p.Ala79Thr (NM_001319053.2); c.415G>A, p.Ala139Thr (NM_021903.3); c.580G>A, p.Ala194Thr (NM_021904.4); short protein forms A194T, A139T, A256T, A79T.
Identifiers: ClinVar variation 5009923 (VCV005009923.1).

ClinVar aggregate classification (germline): Uncertain significance (1 of 4 stars; one submission).

gnomAD v4.1: 1 of 1,612,936 alleles (0.000062%); highest among the groups gnomAD compares: Admixed American, 0.0017%; no homozygotes.

Submission:

GeneDx
Classification: Uncertain significance. Last evaluated: 2026-02-24. Review status: criteria provided, single submitter. Criteria: GeneDx Variant Classification Process June 2021. Collection method: clinical testing. Allele origin: germline.
Comment: Not observed at significant frequency in large population cohorts (gnomAD); In silico analysis supports that this missense variant has a deleterious effect on protein structure/function; Has not been previously published as pathogenic or benign to our knowledge